The following is an entry in ClinVar:

ClinVar aggregate classification (germline): Uncertain significance (1 of 4 stars; one submission).

Conditions:
PTDSS1-related disorder. Also called: PTDSS1-related condition.

Submission:

PreventionGenetics, part of Exact Sciences
Classification: Uncertain significance for PTDSS1-related condition. Last evaluated: 2023-04-26. Review status: criteria provided, single submitter. Criteria: ACMG Guidelines, 2015. Collection method: clinical testing. Allele origin: germline.
Comment: The PTDSS1 c.1417A>G variant is predicted to result in the amino acid substitution p.Lys473Glu. To our knowledge, this variant has not been reported in the literature or in a large population database, indicating this variant is rare. De novo gain of function variants have almost exclusively been reported in patients with Lenz-Majewski hyperostotic dwarfism phenotypes (see, for example, Sousa et al. 2014. PubMed ID: 24241535). However, this variant impacts the last amino acid residue of the PSS1 protein, and thus its impact on protein function is unclear. Taken together, although we suspect that this variant may be pathogenic, at this time, the clinical significance of this variant is uncertain due to the absence of conclusive functional and genetic evidence.

NM_014754.3(PTDSS1):c.1417A>G (p.Lys473Glu)

Gene: PTDSS1 (phosphatidylserine synthase 1; plus strand). Cytogenetic location: 8q22.1.
Variant type: single nucleotide variant.
Coding change: c.1417A>G on transcript NM_014754.3 (MANE Select); coding-DNA position 1417, A replaced by G.
Protein change: p.Lys473Glu; replaces lysine 473 with glutamic acid.
Molecular consequence: missense variant.
Genome position (GRCh38, 1-based): chr8:96,333,561, A>G. VCF-style: chr8-96333561-A-G. GRCh37 (hg19) VCF-style: chr8-97345789-A-G.
Other names: c.979A>G, p.Lys327Glu (NM_001290225.2); short protein forms K327E, K473E.
Identifiers: ClinVar variation 2632912 (VCV002632912.1), dbSNP rs2488214142, ClinGen allele CA371759080.